The following is an entry in ClinVar:

NM_002471.4(MYH6):c.736-9_736-8delinsAA

Gene: MYH6 (myosin heavy chain 6; minus strand). Cytogenetic location: 14q11.2.
Variant type: Indel.
Coding change: c.736-9_736-8delinsAA on transcript NM_002471.4 (MANE Select); 9 bases into the intron before coding-DNA position 736 through 8 bases into the intron before coding-DNA position 736, CG replaced by AA.
Molecular consequence: intron variant.
Genome position (GRCh38, 1-based): chr14:23,403,786-23,403,787, CG replaced by TT on the plus strand (CG replaced by AA on the coding strand, the reverse complement: MYH6 is on the minus strand). VCF-style: chr14-23403786-CG-TT. GRCh37 (hg19) VCF-style: chr14-23872995-CG-TT.
Identifiers: ClinVar variation 4810024 (VCV004810024.1).
Genomic context (GRCh38, chr14:23,403,786, plus strand): 5'-TCTGCAGAAGCCAGCTTTCCAGTGGCCCCAAAGTGGATCCTAATGAATTTCCCCTGGGGA[CG>TT]AATGGGACAGAGTGAGGGAACTGGCGGGAAGGACAGAGTGAAATCCTGGCCCTCTGTTCA-3'

ClinVar aggregate classification (germline): Uncertain significance (1 of 4 stars; one submission).

Conditions:
Hypertrophic cardiomyopathy 14. Identifiers: MedGen C2750467, MONDO:0013197, OMIM 613251.

Submission:

Labcorp Genetics (formerly Invitae), Labcorp
Classification: Uncertain significance for Hypertrophic cardiomyopathy 14. Last evaluated: 2025-07-21. Review status: criteria provided, single submitter. Criteria: Invitae Variant Classification Sherloc (09022015). Collection method: clinical testing. Allele origin: germline.
Comment: This sequence change falls in intron 8 of the MYH6 gene. It does not directly change the encoded amino acid sequence of the MYH6 protein. Information on the frequency of this variant in the gnomAD database is not available, as this variant may be reported differently in the database. This variant has not been reported in the literature in individuals affected with MYH6-related conditions. Experimental studies and prediction algorithms are not available or were not evaluated, and the effect of this variant on mRNA splicing is currently unknown. In summary, the available evidence is currently insufficient to determine the role of this variant in disease. Therefore, it has been classified as a Variant of Uncertain Significance.